The following is an entry in ClinVar:

NM_017433.5(MYO3A):c.1804G>A (p.Ala602Thr)

Gene: MYO3A (myosin IIIA; plus strand). Cytogenetic location: 10p12.1.
Variant type: single nucleotide variant.
Coding change: c.1804G>A on transcript NM_017433.5 (MANE Select); coding-DNA position 1804, G replaced by A.
Protein change: p.Ala602Thr; replaces alanine 602 with threonine.
Molecular consequence: missense variant.
Genome position (GRCh38, 1-based): chr10:26,120,703, G>A. VCF-style: chr10-26120703-G-A. GRCh37 (hg19) VCF-style: chr10-26409632-G-A.
Other names: c.1804G>A (NM_017433.4); short protein forms A602T.
Identifiers: ClinVar variation 2892050 (VCV002892050.9), dbSNP rs577307230, ClinGen allele CA5444785.

ClinVar aggregate classification (germline): Uncertain significance. Review status: criteria provided, multiple submitters, no conflicts (2 of 4 stars). 4 submissions from 4 submitters: Uncertain significance (4). Last evaluated 2026-04-02.

Conditions:
Inborn genetic diseases. Identifiers: MedGen C0950123, MeSH D030342.
MYO3A-related disorder. Also called: MYO3A-related condition.

gnomAD v4.1: 27 of 1,614,010 alleles (0.0017%); highest among the groups gnomAD compares: Non-Finnish European, 0.0021%; no homozygotes.

Submissions (4):

PreventionGenetics, part of Exact Sciences
Classification: Uncertain significance for MYO3A-related condition. Last evaluated: 2026-04-02. Review status: criteria provided, single submitter. Criteria: ACMG Guidelines, 2015. Collection method: clinical testing. Allele origin: germline.
Comment: The MYO3A c.1804G>A variant is predicted to result in the amino acid substitution p.Ala602Thr. To our knowledge, this variant has not been reported in the literature. This variant is reported in 0.0033% of alleles in individuals of South Asian descent in gnomAD. At this time, the clinical significance of this variant is uncertain due to the absence of conclusive functional and genetic evidence.

CeGaT Center for Human Genetics Tuebingen
Classification: Uncertain significance. Last evaluated: 2026-02-01. Review status: criteria provided, single submitter. Criteria: CeGaT Center For Human Genetics Tuebingen Variant Classification Criteria Version 2. Collection method: clinical testing. Allele origin: germline. Affected: yes. Observed: 1 variant allele.
Comment: MYO3A: PM2

Ambry Genetics
Classification: Uncertain significance for Inborn genetic diseases. Last evaluated: 2023-12-26. Review status: criteria provided, single submitter. Criteria: Ambry Variant Classification Scheme 2023. Collection method: clinical testing. Allele origin: germline.

Labcorp Genetics (formerly Invitae), Labcorp
Classification: Uncertain significance. Last evaluated: 2022-11-07. Review status: criteria provided, single submitter. Criteria: Invitae Variant Classification Sherloc (09022015). Collection method: clinical testing. Allele origin: germline.
Comment: In summary, the available evidence is currently insufficient to determine the role of this variant in disease. Therefore, it has been classified as a Variant of Uncertain Significance. Advanced modeling of protein sequence and biophysical properties (such as structural, functional, and spatial information, amino acid conservation, physicochemical variation, residue mobility, and thermodynamic stability) performed at Invitae indicates that this missense variant is not expected to disrupt MYO3A protein function. This variant has not been reported in the literature in individuals affected with MYO3A-related conditions. This variant is present in population databases (rs577307230, gnomAD 0.003%). This sequence change replaces alanine, which is neutral and non-polar, with threonine, which is neutral and polar, at codon 602 of the MYO3A protein (p.Ala602Thr).